The following is an entry in ClinVar:

NM_001106.4(ACVR2B):c.*1376G>A

Gene: ACVR2B (activin A receptor type 2B; plus strand). Cytogenetic location: 3p22.2.
Variant type: single nucleotide variant.
Coding change: c.*1376G>A on transcript NM_001106.4 (MANE Select); 1376 bases downstream of the stop codon, G replaced by A.
Molecular consequence: 3 prime UTR variant.
Genome position (GRCh38, 1-based): chr3:38,484,708, G>A. VCF-style: chr3-38484708-G-A. GRCh37 (hg19) VCF-style: chr3-38526199-G-A.
Identifiers: ClinVar variation 344945 (VCV000344945.5), dbSNP rs369336725, ClinGen allele CA10618191.
Genomic context (GRCh38, chr3:38,484,708, plus strand): 5'-GAAACATGCTAAATTTTTTTTTTCAAACAAAACACACACATCCACATATACACATGCTTC[G>A]CTATGTGGCTTCCAAGGTTTAAATTTTGAAAAGTAAAAGAATTAAAACTTCACGACCACA-3'

ClinVar aggregate classification (germline): Benign (1 of 4 stars; one submission).

Conditions:
Heterotaxy, visceral, 4, autosomal (HTX4). Identifiers: Orphanet 450, MedGen C3151057, MONDO:0013403, OMIM 613751.

Allele frequency attached by ClinVar (database versions not stated): gnomAD 0.00001 and 0.00015; TOPMed 0.00005; 1000 Genomes Project 30x 0.00047; 1000 Genomes Project 0.00060.

Submission:

Illumina Laboratory Services, Illumina
Classification: Benign for Heterotaxy, visceral, 4, autosomal. Last evaluated: 2018-01-13. Review status: criteria provided, single submitter. Criteria: ICSL Variant Classification Criteria 13 December 2019. Collection method: clinical testing. Allele origin: germline.
Comment: This variant was observed in the ICSL laboratory as part of a predisposition screen in an ostensibly healthy population. It had not been previously curated by ICSL or reported in the Human Gene Mutation Database (HGMD: prior to June 1st, 2018), and was therefore a candidate for classification through an automated scoring system. Utilizing variant allele frequency, disease prevalence and penetrance estimates, and inheritance mode, an automated score was calculated to assess if this variant is too frequent to cause the disease. Based on the score and internal cut-off values, a variant classified as benign is not then subjected to further curation. The score for this variant resulted in a classification of benign for this disease.